The following is an entry in ClinVar:

NM_005591.4(MRE11):c.1132G>A (p.Val378Ile)

Gene: MRE11 (MRE11 double strand break repair nuclease; minus strand). Cytogenetic location: 11q21.
Variant type: single nucleotide variant.
Coding change: c.1132G>A on transcript NM_005591.4 (MANE Select); coding-DNA position 1132, G replaced by A.
Protein change: p.Val378Ile; replaces valine 378 with isoleucine.
Molecular consequence: missense variant.
Genome position (GRCh38, 1-based): chr11:94,464,206, C>T on the plus strand (G>A on the coding strand, the complement: MRE11 is on the minus strand). VCF-style: chr11-94464206-C-T. GRCh37 (hg19) VCF-style: chr11-94197372-C-T.
Other names: c.1132G>A, p.Val378Ile (NM_001330347.2, NM_005590.4); short protein forms V378I.
Identifiers: ClinVar variation 1799941 (VCV001799941.2), dbSNP rs2496427585, ClinGen allele CA382372973.

ClinVar aggregate classification (germline): Uncertain significance (1 of 4 stars; one submission).

Conditions:
Hereditary cancer-predisposing syndrome. Also called: Neoplastic Syndromes, Hereditary; Tumor predisposition; Hereditary Cancer Syndrome; Hereditary neoplastic syndrome. Identifiers: Orphanet 140162, MedGen C0027672, MeSH D009386, MONDO:0015356.

Submission:

Ambry Genetics
Classification: Uncertain significance for Hereditary cancer-predisposing syndrome. Last evaluated: 2019-04-04. Review status: criteria provided, single submitter. Criteria: Ambry Variant Classification Scheme 2023. Collection method: clinical testing. Allele origin: germline.
Comment: The p.V378I variant (also known as c.1132G>A), located in coding exon 10 of the MRE11A gene, results from a G to A substitution at nucleotide position 1132. The valine at codon 378 is replaced by isoleucine, an amino acid with highly similar properties. This amino acid position is not well conserved in available vertebrate species. In addition, this alteration is predicted to be tolerated by in silico analysis. Since supporting evidence is limited at this time, the clinical significance of this alteration remains unclear.